The following is an entry in ClinVar:

NM_001083926.2(ASRGL1):c.445G>C (p.Glu149Gln)

Gene: ASRGL1 (asparaginase and isoaspartyl peptidase 1; plus strand). Cytogenetic location: 11q12.3.
Variant type: single nucleotide variant.
Coding change: c.445G>C on transcript NM_001083926.2 (MANE Select); coding-DNA position 445, G replaced by C.
Protein change: p.Glu149Gln; replaces glutamic acid 149 with glutamine.
Molecular consequence: missense variant.
Genome position (GRCh38, 1-based): chr11:62,357,098, G>C. VCF-style: chr11-62357098-G-C. GRCh37 (hg19) VCF-style: chr11-62124570-G-C.
Other names: c.445G>C (NM_001083926.1); c.445G>C, p.Glu149Gln (NM_025080.4); short protein forms E149Q.
Identifiers: ClinVar variation 2150398 (VCV002150398.5), dbSNP rs536882543, ClinGen allele CA6043194.
Genomic context (GRCh38, chr11:62,357,098, plus strand): 5'-ATGGGGGTTCCAGAGATTCCTGGAGAAAAACTGGTGACAGAGAGAAACAAAAAGCGCCTG[G>C]AAAAAGAGAAGCATGAAAAAGGTGCTCAGAAAACAGATTGTCAAAAGTAAGTCTTACCTG-3'
Protein context (NP_001077395.1, residues 139-159): LVTERNKKRL[Glu149Gln]KEKHEKGAQK

ClinVar aggregate classification (germline): Uncertain significance. Review status: criteria provided, multiple submitters, no conflicts (2 of 4 stars). 2 submissions from 2 submitters: Uncertain significance (2). Last evaluated 2025-12-11.

Allele frequency attached by ClinVar (database versions not stated): ExAC 0.00002; TOPMed 0.00002; gnomAD 0.00004; 1000 Genomes Project 30x 0.00016; 1000 Genomes Project 0.00020.
gnomAD v4.1: 7 of 1,613,942 alleles (0.00043%); highest among the groups gnomAD compares: African/African-American, 0.0093%; no homozygotes.

Submissions (2):

Ambry Genetics
Classification: Uncertain significance. Last evaluated: 2025-12-11. Review status: criteria provided, single submitter. Criteria: Ambry Variant Classification Scheme 2023. Collection method: clinical testing. Allele origin: germline.

Labcorp Genetics (formerly Invitae), Labcorp
Classification: Uncertain significance. Last evaluated: 2024-02-24. Review status: criteria provided, single submitter. Criteria: Invitae Variant Classification Sherloc (09022015). Collection method: clinical testing. Allele origin: germline.
Comment: This sequence change replaces glutamic acid, which is acidic and polar, with glutamine, which is neutral and polar, at codon 149 of the ASRGL1 protein (p.Glu149Gln). The frequency data for this variant in the population databases is considered unreliable, as metrics indicate poor data quality at this position in the gnomAD database. This variant has not been reported in the literature in individuals affected with ASRGL1-related conditions. ClinVar contains an entry for this variant (Variation ID: 2150398). An algorithm developed to predict the effect of missense changes on protein structure and function (PolyPhen-2) suggests that this variant is likely to be tolerated. In summary, the available evidence is currently insufficient to determine the role of this variant in disease. Therefore, it has been classified as a Variant of Uncertain Significance.